The following is an entry in ClinVar:

ClinVar aggregate classification (germline): Likely benign. Review status: criteria provided, multiple submitters, no conflicts (2 of 4 stars). 2 submissions from 2 submitters: Likely benign (2). Last evaluated 2025-12-22.

Conditions:
Fanconi anemia (FA). Also called: Fanconi's anemia. Identifiers: Orphanet 84, MedGen C0015625, MeSH D005199, MONDO:0019391.

Allele frequency attached by ClinVar (database versions not stated): gnomAD exomes 0.00002; gnomAD 0.00003 and 0.00004; TOPMed 0.00003; ExAC 0.00002.
gnomAD v4.1: 31 of 1,613,980 alleles (0.0019%); highest among the groups gnomAD compares: Admixed American, 0.0083%; no homozygotes.

Submissions (2):

Labcorp Genetics (formerly Invitae), Labcorp
Classification: Likely benign for Fanconi anemia. Last evaluated: 2025-12-22. Review status: criteria provided, single submitter. Criteria: Invitae Variant Classification Sherloc (09022015). Collection method: clinical testing. Allele origin: germline.

CeGaT Center for Human Genetics Tuebingen
Classification: Likely benign. Last evaluated: 2023-02-01. Review status: criteria provided, single submitter. Criteria: CeGaT Center For Human Genetics Tuebingen Variant Classification Criteria Version 2. Collection method: clinical testing. Allele origin: germline. Affected: yes. Observed: 1 variant allele.
Comment: FANCF: BP4, BP7

NM_022725.4(FANCF):c.360C>T (p.Gly120=)

Gene: FANCF (FA complementation group F; minus strand). Cytogenetic location: 11p14.3.
Variant type: single nucleotide variant.
Coding change: c.360C>T on transcript NM_022725.4 (MANE Select); coding-DNA position 360, C replaced by T.
Protein change: p.Gly120=; no amino-acid change (glycine 120 retained).
Molecular consequence: synonymous variant.
Genome position (GRCh38, 1-based): chr11:22,625,451, G>A on the plus strand (C>T on the coding strand, the complement: FANCF is on the minus strand). VCF-style: chr11-22625451-G-A. GRCh37 (hg19) VCF-style: chr11-22646997-G-A.
Identifiers: ClinVar variation 1567314 (VCV001567314.33), dbSNP rs775422716, ClinGen allele CA5924360.
Genomic context (GRCh38, chr11:22,625,451, plus strand): 5'-CCGCCGGCGGGCAAGGCGGGCCAGGCTCTCTTGGAGTGTCTCCTCATCGGCGTCCCGGAC[G>A]CCCGGGCCGGGAAAGAGTTGCTGCACCAGGTGGTAACGAGCTGCATCCCCGAGGGCCCGG-3'
Protein context (NP_073562.1, residues 110-130): HLVQQLFPGP[Gly120=]VRDADEETLQ